The following is an entry in ClinVar:

NM_001378454.1(ALMS1):c.161T>A (p.Leu54Ter)

Gene: ALMS1 (ALMS1 centrosome and basal body associated protein; plus strand). Cytogenetic location: 2p13.1.
Variant type: single nucleotide variant.
Coding change: c.161T>A on transcript NM_001378454.1 (MANE Select); coding-DNA position 161, T replaced by A.
Protein change: p.Leu54Ter; replaces leucine 54 with a stop codon.
Molecular consequence: nonsense.
Genome position (GRCh38, 1-based): chr2:73,386,029, T>A. VCF-style: chr2-73386029-T-A. GRCh37 (hg19) VCF-style: chr2-73613157-T-A.
Other names: c.164T>A, p.Leu55Ter (NM_015120.4); short protein forms L55*, L54*.
Identifiers: ClinVar variation 555236 (VCV000555236.11), dbSNP rs755760721, ClinGen allele CA1712753.

ClinVar aggregate classification (germline): Pathogenic/Likely pathogenic. Review status: criteria provided, multiple submitters, no conflicts (2 of 4 stars). 4 submissions from 4 submitters: Pathogenic (1); Likely pathogenic (2). 1 of the submissions does not count toward it. Last evaluated 2024-11-15.

Conditions:
Alstrom syndrome (ALMS). Identifiers: Orphanet 64, MedGen C0268425, MONDO:0008763, OMIM 203800.
ALMS1-related disorder. Also called: ALMS1-related condition.

Allele frequency attached by ClinVar (database versions not stated): gnomAD exomes 0.00001 and 0.00002; ExAC 0.00005.
gnomAD v4.1: 5 of 1,556,928 alleles (0.00032%); highest among the groups gnomAD compares: South Asian, 0.0059%; no homozygotes.

Submissions (4):

Natera, Inc.
Classification: Likely pathogenic for Alstrom syndrome. Last evaluated: 2024-11-15. Review status: criteria provided, single submitter. Criteria: Natera Variant Classification Schema (03/2026). Collection method: clinical testing. Allele origin: germline.
Comment: The c.164T>A variant in ALMS1 is a nonsense variant predicted to introduce a stop codon at amino acid 55. This variant is expected to result in nonsense mediated decay, truncation, or a dysfunctional protein product. This variant is rare in the general population with a frequency below the threshold expected for the associated phenotype(s). Given the available evidence, this variant is classified as Likely Pathogenic.

Blueprint Genetics
Classification: Likely pathogenic for ALMS1-related disorders. Last evaluated: 2022-05-30. Review status: criteria provided, single submitter. Criteria: ACMG Guidelines, 2015. Collection method: clinical testing. Allele origin: germline. Affected: yes. Observed: 1 variant allele.

Labcorp Genetics (formerly Invitae), Labcorp
Classification: Pathogenic for Alstrom syndrome. Last evaluated: 2022-02-03. Review status: criteria provided, single submitter. Criteria: Invitae Variant Classification Sherloc (09022015). Collection method: clinical testing. Allele origin: germline.
Comment: For these reasons, this variant has been classified as Pathogenic. ClinVar contains an entry for this variant (Variation ID: 555236). This variant has not been reported in the literature in individuals affected with ALMS1-related conditions. This variant is present in population databases (rs755760721, gnomAD 0.009%). This sequence change creates a premature translational stop signal (p.Leu55*) in the ALMS1 gene. It is expected to result in an absent or disrupted protein product. Loss-of-function variants in ALMS1 are known to be pathogenic (PMID: 17594715).

Counsyl
Classification: Likely pathogenic for Alstrom syndrome. Last evaluated: 2017-11-30. Review status: no assertion criteria provided. Collection method: clinical testing. Allele origin: unknown. Not counted in ClinVar's aggregate classification.

Literature cited by the submitters: PubMed 17594715 (cited by Labcorp Genetics (formerly Invitae), Labcorp).